The following is an entry in ClinVar:

ClinVar aggregate classification (germline): Uncertain significance (1 of 4 stars; one submission).

Conditions:
Glycine encephalopathy. Also called: Non-ketotic hyperglycinemia; Nonketotic hyperglycinemia. Identifiers: Orphanet 407, MedGen C0751748, MONDO:0011612, HP:0008288.

gnomAD v4.1: 5 of 1,613,550 alleles (0.00031%); highest among the groups gnomAD compares: Non-Finnish European, 0.00042%; no homozygotes.

Submission:

Labcorp Genetics (formerly Invitae), Labcorp
Classification: Uncertain significance for Glycine encephalopathy. Last evaluated: 2021-09-24. Review status: criteria provided, single submitter. Criteria: Invitae Variant Classification Sherloc (09022015). Collection method: clinical testing. Allele origin: germline.
Comment: This sequence change replaces arginine with proline at codon 10 of the AMT protein (p.Arg10Pro). The arginine residue is weakly conserved and there is a moderate physicochemical difference between arginine and proline. This variant is present in population databases (rs150649086, ExAC 0.002%). This variant has not been reported in the literature in individuals with AMT-related conditions. Advanced modeling of protein sequence and biophysical properties (such as structural, functional, and spatial information, amino acid conservation, physicochemical variation, residue mobility, and thermodynamic stability) performed at Invitae indicates that this missense variant is not expected to disrupt AMT protein function. In summary, the available evidence is currently insufficient to determine the role of this variant in disease. Therefore, it has been classified as a Variant of Uncertain Significance.

NM_000481.4(AMT):c.29G>C (p.Arg10Pro)

Genes: NICN1 (nicolin 1, tubulin polyglutamylase complex subunit; minus strand), AMT (aminomethyltransferase; minus strand). Cytogenetic location: 3p21.31.
Variant type: single nucleotide variant.
Coding change: c.29G>C on transcript NM_000481.4 (MANE Select); coding-DNA position 29, G replaced by C.
Protein change: p.Arg10Pro; replaces arginine 10 with proline.
Molecular consequence: missense variant. On other transcripts: non-coding transcript variant (1), 3 prime UTR variant (1).
Genome position (GRCh38, 1-based): chr3:49,422,422, C>G on the plus strand (G>C on the coding strand, the complement: AMT is on the minus strand). VCF-style: chr3-49422422-C-G. GRCh37 (hg19) VCF-style: chr3-49459855-C-G.
Other names: c.29G>C, p.Arg10Pro (NM_001164710.2, NM_001164711.2, NM_001164712.2); c.*2411G>C (NM_032316.3); short protein forms R10P.
Identifiers: ClinVar variation 1957256 (VCV001957256.2), dbSNP rs150649086, ClinGen allele CA2398512.
Genomic context (GRCh38, chr3:49,422,422, plus strand): 5'-TGTGCGCAACTAAGTGGACGACACAAGGCCGGGGGGAATGCCTGCAGGCGAAAGCCCAGA[C>G]GGGCCACCACACTTACAGCCCTCTGCATCGTCGCCTGCAACGAGTGCAGACGGCGCACAG-3'
Protein context (NP_000472.2, residues 1-20): MQRAVSVVA[Arg10Pro]LGFRLQAFPP